The following is an entry in ClinVar:

ClinVar aggregate classification (germline): Uncertain significance (1 of 4 stars; one submission).

Conditions:
Diamond-Blackfan anemia 5 (DBA5). Also called: RPL35A-Related Diamond-Blackfan Anemia. Identifiers: Orphanet 124, MedGen C2675859, MONDO:0012925, OMIM 612528.

Submission:

Labcorp Genetics (formerly Invitae), Labcorp
Classification: Uncertain significance for Diamond-Blackfan anemia 5. Last evaluated: 2024-09-17. Review status: criteria provided, single submitter. Criteria: Invitae Variant Classification Sherloc (09022015). Collection method: clinical testing. Allele origin: germline.
Comment: This sequence change replaces isoleucine, which is neutral and non-polar, with valine, which is neutral and non-polar, at codon 97 of the RPL35A protein (p.Ile97Val). This variant is not present in population databases (gnomAD no frequency). This variant has not been reported in the literature in individuals affected with RPL35A-related conditions. An algorithm developed to predict the effect of missense changes on protein structure and function (PolyPhen-2) suggests that this variant is likely to be tolerated. In summary, the available evidence is currently insufficient to determine the role of this variant in disease. Therefore, it has been classified as a Variant of Uncertain Significance.

NM_000996.4(RPL35A):c.289A>G (p.Ile97Val)

Genes: DRC9 (dynein regulatory complex subunit 9; minus strand), RPL35A (ribosomal protein L35a; plus strand). Cytogenetic location: 3q29.
Variant type: single nucleotide variant.
Coding change: c.289A>G on transcript NM_000996.4 (MANE Select); coding-DNA position 289, A replaced by G.
Protein change: p.Ile97Val; replaces isoleucine 97 with valine.
Molecular consequence: missense variant. On other transcripts: intron variant (3).
Genome position (GRCh38, 1-based): chr3:197,954,127, A>G. VCF-style: chr3-197954127-A-G. GRCh37 (hg19) VCF-style: chr3-197680998-A-G.
Other names: c.289A>G, p.Ile97Val (NM_001316311.2); c.-50+5402T>C (NM_001323028.2); c.-60+5402T>C (NM_032263.5); c.-375+5402T>C (NM_001323029.2); short protein forms I97V.
Identifiers: ClinVar variation 2906784 (VCV002906784.3), dbSNP rs1464963917, ClinGen allele CA355884880.